The following is an entry in ClinVar:

NM_138348.6(OTULIN):c.311C>T (p.Thr104Met)

Gene: OTULIN (OTU deubiquitinase with linear linkage specificity; plus strand). Cytogenetic location: 5p15.2.
Variant type: single nucleotide variant.
Coding change: c.311C>T on transcript NM_138348.6 (MANE Select); coding-DNA position 311, C replaced by T.
Protein change: p.Thr104Met; replaces threonine 104 with methionine.
Molecular consequence: missense variant.
Genome position (GRCh38, 1-based): chr5:14,678,762, C>T. VCF-style: chr5-14678762-C-T. GRCh37 (hg19) VCF-style: chr5-14678871-C-T.
Other names: short protein forms T104M.
Identifiers: ClinVar variation 4821771 (VCV004821771.4).
Genomic context (GRCh38, chr5:14,678,762, plus strand): 5'-CTGAAATGGATATCATGGACTACTGCAAAAAAGAATGGAGAGGAAATACACAGAAAGCAA[C>T]GTGTATGAAAATGGTATGACACAGAGGTGCACATATTTCAGGTCTTTCAAATAGTCTATC-3'
Protein context (NP_612357.4, residues 94-114): KEWRGNTQKA[Thr104Met]CMKMGYEEVS

ClinVar aggregate classification (germline): Uncertain significance (1 of 4 stars; one submission).

gnomAD v4.1: 16 of 1,603,342 alleles (0.001%); highest among the groups gnomAD compares: Admixed American, 0.0017%; no homozygotes.

Submission:

CeGaT Center for Human Genetics Tuebingen
Classification: Uncertain significance. Last evaluated: 2026-02-01. Review status: criteria provided, single submitter. Criteria: CeGaT Center For Human Genetics Tuebingen Variant Classification Criteria Version 2. Collection method: clinical testing. Allele origin: germline. Affected: yes. Observed: 1 variant allele.
Comment: OTULIN: PM2, BP4